The following is an entry in ClinVar:

ClinVar aggregate classification (germline): Conflicting classifications of pathogenicity. Review status: criteria provided, conflicting classifications (1 of 4 stars). 10 submissions from 8 submitters: Uncertain significance (2); Benign (2); Likely benign (3). 3 of the submissions do not count toward it. Last evaluated 2026-05-01.

Conditions:
ERCC6-related disorder. Also called: ERCC6-related condition; ERCC6-related disorders. Identifiers: MedGen CN239385.
Age related macular degeneration 5. Identifiers: MedGen C3151063, MONDO:0013409, OMIM 613761.
Cerebrooculofacioskeletal syndrome 1 (COFS1). Also called: Cerebro-oculo-facio-skeletal syndrome 1. Identifiers: MedGen C0220722, MONDO:0008955, OMIM 214150.
Cockayne syndrome type 2 (CSB). Also called: COCKAYNE SYNDROME B; Cockayne Syndrome, Type II. Identifiers: Orphanet 191, Orphanet 90322, MedGen C0751038, MONDO:0019570, OMIM 133540.

Allele frequency attached by ClinVar (database versions not stated): 1000 Genomes Project 30x 0.00031; gnomAD 0.00070; TOPMed 0.00119; ESP Exome Variant Server 0.00200.
gnomAD v4.1: 3,119 of 1,613,814 alleles (0.19%); highest among the groups gnomAD compares: Non-Finnish European, 0.23%; 5 homozygotes.

Submissions (10):

CeGaT Center for Human Genetics Tuebingen
Classification: Likely benign. Last evaluated: 2026-05-01. Review status: criteria provided, single submitter. Criteria: CeGaT Center For Human Genetics Tuebingen Variant Classification Criteria Version 2. Collection method: clinical testing. Allele origin: germline. Affected: yes. Observed: 6 variant alleles.
Comment: ERCC6: BP4

Labcorp Genetics (formerly Invitae), Labcorp
Classification: Benign. Last evaluated: 2026-01-28. Review status: criteria provided, single submitter. Criteria: Invitae Variant Classification Sherloc (09022015). Collection method: clinical testing. Allele origin: germline.

Blueprint Genetics
Classification: Likely benign. Last evaluated: 2024-11-07. Review status: criteria provided, single submitter. Criteria: ACMG Guidelines, 2015. Collection method: clinical testing. Allele origin: germline.

Eurofins Ntd Llc (ga)
Classification: Benign. Last evaluated: 2018-03-20. Review status: criteria provided, single submitter. Criteria: EGL ClinVar v180209 classification definitions. Collection method: clinical testing. Allele origin: germline. Observed: 1 variant allele, 1 heterozygote.

Illumina Laboratory Services, Illumina
Classification: Uncertain significance for Cockayne syndrome type 2. Last evaluated: 2018-01-13. Review status: criteria provided, single submitter. Criteria: ICSL Variant Classification Criteria 13 December 2019. Collection method: clinical testing. Allele origin: germline.

Illumina Laboratory Services, Illumina
Classification: Likely benign for Age related macular degeneration 5. Last evaluated: 2018-01-13. Review status: criteria provided, single submitter. Criteria: ICSL Variant Classification Criteria 13 December 2019. Collection method: clinical testing. Allele origin: germline.
Comment: This variant was observed in the ICSL laboratory as part of a predisposition screen in an ostensibly healthy population. It had not been previously curated by ICSL or reported in the Human Gene Mutation Database (HGMD: prior to June 1st, 2018), and was therefore a candidate for classification through an automated scoring system. Utilizing variant allele frequency, disease prevalence and penetrance estimates, and inheritance mode, an automated score was calculated to assess if this variant is too frequent to cause the disease. Based on the score and internal cut-off values, a variant classified as likely benign is not then subjected to further curation. The score for this variant resulted in a classification of likely benign for this disease.

Illumina Laboratory Services, Illumina
Classification: Uncertain significance for Cerebrooculofacioskeletal syndrome 1. Last evaluated: 2018-01-13. Review status: criteria provided, single submitter. Criteria: ICSL Variant Classification Criteria 13 December 2019. Collection method: clinical testing. Allele origin: germline.

PreventionGenetics, part of Exact Sciences
Classification: Likely benign for ERCC6-related condition. Last evaluated: 2023-01-12. Review status: no assertion criteria provided. Collection method: clinical testing. Allele origin: germline. Not counted in ClinVar's aggregate classification.
Comment: This variant is classified as likely benign based on ACMG/AMP sequence variant interpretation guidelines (Richards et al. 2015 PMID: 25741868, with internal and published modifications).

Clinical Genetics DNA and cytogenetics Diagnostics Lab, Erasmus MC, Erasmus Medical Center
Classification: Likely benign. Review status: no assertion criteria provided. Collection method: clinical testing. Allele origin: germline. Affected: yes. Study: VKGL Data-share Consensus. Not counted in ClinVar's aggregate classification.

Laboratory of Diagnostic Genome Analysis, Leiden University Medical Center (LUMC)
Classification: Likely benign. Review status: no assertion criteria provided. Collection method: clinical testing. Allele origin: germline. Affected: yes. Study: VKGL Data-share Consensus. Not counted in ClinVar's aggregate classification.

NM_000124.4(ERCC6):c.1158C>G (p.Asp386Glu)

Genes: ERCC6 (ERCC excision repair 6, chromatin remodeling factor; minus strand), PGBD3 (piggyBac transposable element derived 3; minus strand). Cytogenetic location: 10q11.23.
Variant type: single nucleotide variant.
Coding change: c.1158C>G on transcript NM_000124.4 (MANE Select); coding-DNA position 1158, C replaced by G.
Protein change: p.Asp386Glu; replaces aspartic acid 386 with glutamic acid.
Molecular consequence: missense variant. On other transcripts: 5 prime UTR variant (1).
Genome position (GRCh38, 1-based): chr10:49,524,272, G>C on the plus strand (C>G on the coding strand, the complement: ERCC6 is on the minus strand). VCF-style: chr10-49524272-G-C. GRCh37 (hg19) VCF-style: chr10-50732318-G-C.
Other names: c.1158C>G, p.Asp386Glu (NM_001277058.2, NM_001277059.2, NM_001346440.2); c.-247C>G (NM_170753.3); short protein forms D386E.
Identifiers: ClinVar variation 300087 (VCV000300087.53), dbSNP rs141391984, ClinGen allele CA5496378.